The following is an entry in ClinVar:

NM_000108.5(DLD):c.826A>T (p.Thr276Ser)

Gene: DLD (dihydrolipoamide dehydrogenase; plus strand). Cytogenetic location: 7q31.1.
Variant type: single nucleotide variant.
Coding change: c.826A>T on transcript NM_000108.5 (MANE Select); coding-DNA position 826, A replaced by T.
Protein change: p.Thr276Ser; replaces threonine 276 with serine.
Molecular consequence: missense variant.
Genome position (GRCh38, 1-based): chr7:107,915,647, A>T. VCF-style: chr7-107915647-A-T. GRCh37 (hg19) VCF-style: chr7-107556092-A-T.
Other names: p.T276S:ACA>TCA; p.Thr276Ser; c.529A>T, p.Thr177Ser (NM_001289750.1); c.757A>T, p.Thr253Ser (NM_001289751.1); c.682A>T, p.Thr228Ser (NM_001289752.1); short protein forms T276S, T228S, T177S, T253S.
Identifiers: ClinVar variation 203682 (VCV000203682.35), dbSNP rs148873419, ClinGen allele CA312468.
Genomic context (GRCh38, chr7:107,915,647, plus strand): 5'-GAGATATCTAAAAACTTTCAACGCATCCTTCAAAAACAGGGGTTTAAATTTAAATTGAAT[A>T]CAAAGGTTACTGGTGCTACCAAGAAGTCAGATGGAAAAATTGATGTTTCGTAAGTATACA-3'
Protein context (NP_000099.2, residues 266-286): QKQGFKFKLN[Thr276Ser]KVTGATKKSD

ClinVar aggregate classification (germline): Likely benign. Review status: criteria provided, multiple submitters, no conflicts (2 of 4 stars). 7 submissions from 7 submitters: Likely benign (5). 2 of the submissions do not count toward it. Last evaluated 2026-01-28.

Conditions:
DLD-related disorder. Also called: DLD-related disorders; DLD-related condition.
Pyruvate dehydrogenase E3 deficiency (DLDD). Also called: DLD DEFICIENCY; E3 DEFICIENCY; Dihydrolipoamide Dehydrogenase E3 Deficiency; Dihydrolipoamide Dehydrogenase (E3) Deficiency; MAPLE SYRUP URINE DISEASE, TYPE III; Lipoamide dehydrogenase deficiency, lactic acidosis due to. Identifiers: Orphanet 2394, Orphanet 765, MedGen C5574660, MONDO:0009529, OMIM 246900.

Allele frequency attached by ClinVar (database versions not stated): ExAC 0.00033; gnomAD exomes 0.00038; 1000 Genomes Project 30x 0.00078; 1000 Genomes Project 0.00100; ESP Exome Variant Server 0.00123; gnomAD 0.00163 and 0.00175; TOPMed 0.00185.
gnomAD v4.1: 473 of 1,613,838 alleles (0.029%); highest among the groups gnomAD compares: African/African-American, 0.54%; 3 homozygotes.

Submissions (7):

Labcorp Genetics (formerly Invitae), Labcorp
Classification: Likely benign for Pyruvate dehydrogenase E3 deficiency. Last evaluated: 2026-01-28. Review status: criteria provided, single submitter. Criteria: Invitae Variant Classification Sherloc (09022015). Collection method: clinical testing. Allele origin: germline.

Mayo Clinic Laboratories, Mayo Clinic
Classification: Likely benign. Last evaluated: 2025-06-26. Review status: criteria provided, single submitter. Criteria: ACMG Guidelines, 2015. Collection method: clinical testing. Allele origin: germline. Observed: 3 variant alleles.
Comment: BS1

CeGaT Center for Human Genetics Tuebingen
Classification: Likely benign. Last evaluated: 2024-08-01. Review status: criteria provided, single submitter. Criteria: CeGaT Center For Human Genetics Tuebingen Variant Classification Criteria Version 2. Collection method: clinical testing. Allele origin: germline. Affected: yes. Observed: 1 variant allele.
Comment: DLD: BS2

Fulgent Genetics
Classification: Likely benign for Pyruvate dehydrogenase E3 deficiency. Last evaluated: 2022-05-26. Review status: criteria provided, single submitter. Criteria: ACMG Guidelines, 2015. Collection method: clinical testing. Allele origin: unknown.

GeneDx
Classification: Likely benign. Last evaluated: 2021-02-26. Review status: criteria provided, single submitter. Criteria: GeneDx Variant Classification Process June 2021. Collection method: clinical testing. Allele origin: germline. Affected: yes.

PreventionGenetics, part of Exact Sciences
Classification: Likely benign for DLD-related condition. Last evaluated: 2021-06-14. Review status: no assertion criteria provided. Collection method: clinical testing. Allele origin: germline. Not counted in ClinVar's aggregate classification.
Comment: This variant is classified as likely benign based on ACMG/AMP sequence variant interpretation guidelines (Richards et al. 2015 PMID: 25741868, with internal and published modifications).

Natera, Inc.
Classification: Benign for Maple syrup urine disease type 3. Last evaluated: 2019-10-28. Review status: no assertion criteria provided. Collection method: clinical testing. Allele origin: germline. Not counted in ClinVar's aggregate classification.

Literature cited by the submitters: PubMed 34023347 (cited by Mayo Clinic Laboratories, Mayo Clinic).